The following is an entry in ClinVar:

NM_058216.3(RAD51C):c.966-2250G>A

Gene: RAD51C (RAD51 paralog C; plus strand). Cytogenetic location: 17q22.
Variant type: single nucleotide variant.
Coding change: c.966-2250G>A on transcript NM_058216.3 (MANE Select); 2250 bases into the intron before coding-DNA position 966, G replaced by A.
Molecular consequence: intron variant.
Genome position (GRCh38, 1-based): chr17:58,730,234, G>A. VCF-style: chr17-58730234-G-A. GRCh37 (hg19) VCF-style: chr17-56807595-G-A.
Identifiers: ClinVar variation 3905746 (VCV003905746.10).
Genomic context (GRCh38, chr17:58,730,234, plus strand): 5'-TTTTTTTTTGAGATGGAGTCTCGCCCTGTCGCCCAGGCTGGAGTGCAGAGGCACGATCTC[G>A]GCTCACTGCAACCTCCACCTCCCCAGTTCAAGTGATTCTCCTACCTCAGCCTCCTCAGTA-3'

ClinVar aggregate classification (germline): Likely benign (1 of 4 stars; one submission).

gnomAD v4.1: 1 of 146,746 alleles (0.00068%); highest among the groups gnomAD compares: South Asian, 0.021%; no homozygotes.

Submission:

CeGaT Center for Human Genetics Tuebingen
Classification: Likely benign. Last evaluated: 2025-05-01. Review status: criteria provided, single submitter. Criteria: CeGaT Center For Human Genetics Tuebingen Variant Classification Criteria Version 2. Collection method: clinical testing. Allele origin: germline. Affected: yes. Observed: 1 variant allele.
Comment: RAD51C: BP4, BP7